The following is an entry in ClinVar:

NM_000238.4(KCNH2):c.38C>A (p.Thr13Asn)

Gene: KCNH2 (potassium voltage-gated channel subfamily H member 2; minus strand). Cytogenetic location: 7q36.1.
Variant type: single nucleotide variant.
Coding change: c.38C>A on transcript NM_000238.4 (MANE Select); coding-DNA position 38, C replaced by A.
Protein change: p.Thr13Asn; replaces threonine 13 with asparagine.
Molecular consequence: missense variant. On other transcripts: non-coding transcript variant (1).
Genome position (GRCh38, 1-based): chr7:150,977,876, G>T on the plus strand (C>A on the coding strand, the complement: KCNH2 is on the minus strand). VCF-style: chr7-150977876-G-T. GRCh37 (hg19) VCF-style: chr7-150674964-G-T.
Other names: c.38C>A, p.Thr13Asn (NM_172056.3); short protein forms T13N.
Identifiers: ClinVar variation 923223 (VCV000923223.21), dbSNP rs758978727, ClinGen allele CA039255.

ClinVar aggregate classification (germline): Conflicting classifications of pathogenicity. Review status: criteria provided, conflicting classifications (1 of 4 stars). 7 submissions from 7 submitters: Uncertain significance (6); Likely benign (1). Last evaluated 2026-01-19.

Conditions:
Cardiovascular phenotype. Identifiers: MedGen CN230736.
Cardiac arrhythmia. Also called: Cardiac rhythm disease; Arrhythmia. Identifiers: MedGen C0003811, MONDO:0007263, HP:0011675.
Short QT syndrome type 1. Identifiers: Orphanet 51083, MedGen C1865020, MONDO:0012312, OMIM 609620.
Long QT syndrome 2 (LQT2). Identifiers: Orphanet 101016, Orphanet 768, MedGen C3150943, MONDO:0013367, OMIM 613688.
Long QT syndrome (LQTS). Identifiers: MedGen C0023976, MeSH D008133, MONDO:0002442. Disease mechanism: loss of function. Inheritance: Various modes of inheritance.

Allele frequency attached by ClinVar (database versions not stated): gnomAD 0.00001; TOPMed 0.00004; ExAC 0.00005; gnomAD exomes 0.00008.
gnomAD v4.1: 44 of 1,606,274 alleles (0.0027%); highest among the groups gnomAD compares: Admixed American, 0.038%; no homozygotes.

Submissions (7):

Labcorp Genetics (formerly Invitae), Labcorp
Classification: Uncertain significance for Long QT syndrome. Last evaluated: 2026-01-19. Review status: criteria provided, single submitter. Criteria: Invitae Variant Classification Sherloc (09022015). Collection method: clinical testing. Allele origin: germline.
Comment: This sequence change replaces threonine, which is neutral and polar, with asparagine, which is neutral and polar, at codon 13 of the KCNH2 protein (p.Thr13Asn). This variant is present in population databases (rs758978727, gnomAD 0.05%), and has an allele count higher than expected for a pathogenic variant. This missense change has been observed in individual(s) with clinical features of KCNH2-related conditions (PMID: 26669661). ClinVar contains an entry for this variant (Variation ID: 923223). An algorithm developed to predict the effect of missense changes on protein structure and function (PolyPhen-2) suggests that this variant is likely to be tolerated. In summary, the available evidence is currently insufficient to determine the role of this variant in disease. Therefore, it has been classified as a Variant of Uncertain Significance.

GeneDx
Classification: Uncertain significance. Last evaluated: 2025-10-28. Review status: criteria provided, single submitter. Criteria: GeneDx Variant Classification Process June 2021. Collection method: clinical testing. Allele origin: germline.
Comment: Has been identified in a cohort of patients with HCM, ARVC, LQTS, and/or Brugada syndrome; however, additional clinical details of these individuals were not provided (Sabater-Molina (2013), PMID: 37324772, 26669661); In silico analysis supports that this missense variant has a deleterious effect on protein structure/function; This variant is associated with the following publications: (PMID: 26669661, 37324772, 32893267)

Ambry Genetics
Classification: Likely benign for Cardiovascular phenotype. Last evaluated: 2025-08-19. Review status: criteria provided, single submitter. Criteria: Ambry Variant Classification Scheme 2023. Collection method: clinical testing. Allele origin: germline.

All of Us Research Program, National Institutes of Health
Classification: Uncertain significance for Long QT syndrome. Last evaluated: 2024-09-23. Review status: criteria provided, single submitter. Criteria: ACMG Guidelines, 2015. Collection method: clinical testing. Allele origin: germline. Inheritance: Autosomal dominant inheritance. Observed: 9 variant alleles, 9 heterozygotes.
Comment: This missense variant replaces threonine with asparagine at codon 13 of the KCNH2 protein. Computational prediction suggests that this variant may have deleterious impact on protein structure and function (internally defined REVEL score threshold >= 0.7, PMID: 27666373). To our knowledge, functional studies have not been reported for this variant. This variant has been reported in an individual affected with long QT syndrome (PMID: 26669661, 32893267). This variant has been identified in 21/269462 chromosomes in the general population by the Genome Aggregation Database (gnomAD). The available evidence is insufficient to determine the role of this variant in disease conclusively. Therefore, this variant is classified as a Variant of Uncertain Significance.

This study involves interpretation of variants in research participants for the purpose of population health screening. Participant phenotype was not available at the time of variant classification. Additional details can be found in publication PMID: 35346344, PMCID: PMC8962531

Color Diagnostics, LLC DBA Color Health
Classification: Uncertain significance for Cardiac arrhythmia. Last evaluated: 2024-04-23. Review status: criteria provided, single submitter. Criteria: ACMG Guidelines, 2015. Collection method: clinical testing. Allele origin: germline.
Comment: This missense variant replaces threonine with asparagine at codon 13 of the KCNH2 protein. Computational prediction suggests that this variant may have deleterious impact on protein structure and function (internally defined REVEL score threshold >= 0.7, PMID: 27666373). To our knowledge, functional studies have not been reported for this variant. This variant has been reported in an individual affected with long QT syndrome (PMID: 26669661, 32893267). This variant has been identified in 21/269462 chromosomes in the general population by the Genome Aggregation Database (gnomAD). The available evidence is insufficient to determine the role of this variant in disease conclusively. Therefore, this variant is classified as a Variant of Uncertain Significance.

Fulgent Genetics
Classification: Uncertain significance for Short QT syndrome type 1; Long QT syndrome 2. Last evaluated: 2021-10-20. Review status: criteria provided, single submitter. Criteria: ACMG Guidelines, 2015. Collection method: clinical testing. Allele origin: unknown.

Revvity Omics, Revvity
Classification: Uncertain significance. Last evaluated: 2020-11-27. Review status: criteria provided, single submitter. Criteria: ACMG Guidelines, 2015. Collection method: clinical testing. Allele origin: germline.

Literature cited by the submitters: PubMed 26669661 (cited by 4 submitters); PubMed 28589536 (cited by Ambry Genetics); PubMed 32893267 (cited by All of Us Research Program, National Institutes of Health and Color Diagnostics, LLC DBA Color Health).